The following is an entry in ClinVar:

NM_003742.4(ABCB11):c.506G>A (p.Arg169His)

Gene: ABCB11 (ATP binding cassette subfamily B member 11; minus strand). Cytogenetic location: 2q31.1.
Variant type: single nucleotide variant.
Coding change: c.506G>A on transcript NM_003742.4 (MANE Select); coding-DNA position 506, G replaced by A.
Protein change: p.Arg169His; replaces arginine 169 with histidine.
Molecular consequence: missense variant.
Genome position (GRCh38, 1-based): chr2:168,995,454, C>T on the plus strand (G>A on the coding strand, the complement: ABCB11 is on the minus strand). VCF-style: chr2-168995454-C-T. GRCh37 (hg19) VCF-style: chr2-169851964-C-T.
Other names: c.506G>A, p.Arg169His (LRG_1199t1); short protein forms R169H.
Identifiers: ClinVar variation 593292 (VCV000593292.12), dbSNP rs200870815, ClinGen allele CA1951858.

ClinVar aggregate classification (germline): Conflicting classifications of pathogenicity. Review status: criteria provided, conflicting classifications (1 of 4 stars). 6 submissions from 6 submitters: Uncertain significance (5); Likely benign (1). Last evaluated 2025-12-28.

Conditions:
Benign recurrent intrahepatic cholestasis type 2 (BRIC2). Also called: Recurrent familial intrahepatic cholestasis 2. Identifiers: Orphanet 65682, Orphanet 99961, MedGen C2608083, MONDO:0011559, OMIM 605479.
Progressive familial intrahepatic cholestasis type 2. Identifiers: Orphanet 79304, MedGen C3489789, MONDO:0011156, OMIM 601847.

Allele frequency attached by ClinVar (database versions not stated): gnomAD exomes 0.00003 and 0.00007; ExAC 0.00006; gnomAD 0.00019 and 0.00023; TOPMed 0.00026; ESP Exome Variant Server 0.00042.
gnomAD v4.1: 77 of 1,611,660 alleles (0.0048%); highest among the groups gnomAD compares: African/African-American, 0.062%; no homozygotes.

Submissions (6):

Labcorp Genetics (formerly Invitae), Labcorp
Classification: Likely benign. Last evaluated: 2025-12-28. Review status: criteria provided, single submitter. Criteria: Invitae Variant Classification Sherloc (09022015). Collection method: clinical testing. Allele origin: germline.

Blueprint Genetics
Classification: Uncertain significance. Last evaluated: 2024-02-09. Review status: criteria provided, single submitter. Criteria: ACMG Guidelines, 2015. Collection method: clinical testing. Allele origin: germline.

Fulgent Genetics
Classification: Uncertain significance for Progressive familial intrahepatic cholestasis type 2; Benign recurrent intrahepatic cholestasis type 2. Last evaluated: 2021-07-24. Review status: criteria provided, single submitter. Criteria: ACMG Guidelines, 2015. Collection method: clinical testing. Allele origin: unknown.

Eurofins Ntd Llc (ga)
Classification: Uncertain significance. Last evaluated: 2018-08-10. Review status: criteria provided, single submitter. Criteria: EGL ClinVar v180209 classification definitions. Collection method: clinical testing. Allele origin: germline. Observed: 2 variant alleles, 2 heterozygotes.

Breakthrough Genomics
Classification: Uncertain significance. Review status: criteria provided, single submitter. Criteria: ACMG Guidelines, 2015. Collection method: not provided. Allele origin: germline. Inheritance: Autosomal recessive inheritance. Affected: yes.

Neuberg Centre For Genomic Medicine, NCGM
Classification: Uncertain significance for Benign recurrent intrahepatic cholestasis type 2. Review status: criteria provided, single submitter. Criteria: ACMG Guidelines, 2015. Collection method: clinical testing. Allele origin: germline. Inheritance: Autosomal recessive inheritance. Affected: yes.
Comment: The missense variant in c.506G>A (p.Arg169His) in ABCB11 gene has not been reported previously as a pathogenic variant nor as a benign variant, to our knowledge. The p.Arg169His variant is reported with the allele frequency of 0.007527% in gnomAD and is novel (not in any individuals) in 1000 Genomes. This variant has been reported to the ClinVar database as uncertain significance. The amino acid Arg at position 169 is changed to a His changing protein sequence and it might alter its composition and physico-chemical properties. The variant is predicted to be damaging by SIFT and the residue is variable across species. For these reasons, this variant has been classified as Uncertain Significance. In the absence of another reportable variant, the molecular diagnosis is not confirmed.